The following is an entry in ClinVar:

NM_138376.3(TTC5):c.926A>G (p.Tyr309Cys)

Genes: TTC5 (tetratricopeptide repeat domain 5; minus strand), LOC126861878 (CDK7 strongly-dependent group 2 enhancer GRCh37_chr14:20763215-20764414; plus strand). Cytogenetic location: 14q11.2.
Variant type: single nucleotide variant.
Coding change: c.926A>G on transcript NM_138376.3 (MANE Select); coding-DNA position 926, A replaced by G.
Protein change: p.Tyr309Cys; replaces tyrosine 309 with cysteine.
Molecular consequence: missense variant.
Genome position (GRCh38, 1-based): chr14:20,295,444, T>C on the plus strand (A>G on the coding strand, the complement: TTC5 is on the minus strand). VCF-style: chr14-20295444-T-C. GRCh37 (hg19) VCF-style: chr14-20763603-T-C.
Other names: short protein forms Y309C.
Identifiers: ClinVar variation 2644041 (VCV002644041.24), dbSNP rs61741728, ClinGen allele CA7076868.

ClinVar aggregate classification (germline): Benign (1 of 4 stars; one submission).

Allele frequency attached by ClinVar (database versions not stated): 1000 Genomes Project 0.00339; 1000 Genomes Project 30x 0.00359; ExAC 0.00561; gnomAD 0.00600; TOPMed 0.00602; ESP Exome Variant Server 0.00807; gnomAD exomes 0.01068.
gnomAD v4.1: 16,335 of 1,614,172 alleles (1%); highest among the groups gnomAD compares: Non-Finnish European, 1.3%; 120 homozygotes.

Submission:

CeGaT Center for Human Genetics Tuebingen
Classification: Benign. Last evaluated: 2025-10-01. Review status: criteria provided, single submitter. Criteria: CeGaT Center For Human Genetics Tuebingen Variant Classification Criteria Version 2. Collection method: clinical testing. Allele origin: germline. Affected: yes. Observed: 20 variant alleles.
Comment: TTC5: BS1, BS2